The following is an entry in ClinVar:

NM_017780.4(CHD7):c.7267A>G (p.Met2423Val)

Gene: CHD7 (chromodomain helicase DNA binding protein 7; plus strand). Cytogenetic location: 8q12.2.
Variant type: single nucleotide variant.
Coding change: c.7267A>G on transcript NM_017780.4 (MANE Select); coding-DNA position 7267, A replaced by G.
Protein change: p.Met2423Val; replaces methionine 2423 with valine.
Molecular consequence: missense variant. On other transcripts: intron variant (1).
Genome position (GRCh38, 1-based): chr8:60,856,547, A>G. VCF-style: chr8-60856547-A-G. GRCh37 (hg19) VCF-style: chr8-61769106-A-G.
Other names: c.1717-5682A>G (NM_001316690.1); short protein forms M2423V.
Identifiers: ClinVar variation 1701546 (VCV001701546.34), dbSNP rs1293236067, ClinGen allele CA371300417.
Genomic context (GRCh38, chr8:60,856,547, plus strand): 5'-AGGAGGAGAAAAATCGAAATTGAGGCCGAAAGAGCTGCCAAGAGGCGAAATCTCATGGAG[A>G]TGGTTGCCCAGCTTCGAGAGTCTCAGGTGGTCTCAGAAAATGGACAAGAAAAAGTTGTAG-3'
Protein context (NP_060250.2, residues 2413-2433): RAAKRRNLME[Met2423Val]VAQLRESQVV

ClinVar aggregate classification (germline): Conflicting classifications of pathogenicity. Review status: criteria provided, conflicting classifications (1 of 4 stars). 2 submissions from 2 submitters: Uncertain significance (1); Likely benign (1). Last evaluated 2023-03-14.

Conditions:
CHARGE syndrome (CHARGE). Also called: Coloboma, heart anomaly, choanal atresia, retardation, genital and ear anomalies; CHARGE association; Hall-Hittner syndrome; Hittner Hirsch Kreh syndrome; CHARGE ASSOCIATION--COLOBOMA, HEART ANOMALY, CHOANAL ATRESIA, RETARDATION, GENITAL AND EAR ANOMALIES. Identifiers: Orphanet 138, MedGen C0265354, MONDO:0008965.

Allele frequency attached by ClinVar (database versions not stated): gnomAD exomes below 0.00001.
gnomAD v4.1: 2 of 1,614,022 alleles (0.00012%); highest among the groups gnomAD compares: Middle Eastern, 0.016%; no homozygotes.

Submissions (2):

Labcorp Genetics (formerly Invitae), Labcorp
Classification: Likely benign for CHARGE syndrome. Last evaluated: 2023-03-14. Review status: criteria provided, single submitter. Criteria: Invitae Variant Classification Sherloc (09022015). Collection method: clinical testing. Allele origin: germline.

CeGaT Center for Human Genetics Tuebingen
Classification: Uncertain significance. Last evaluated: 2022-07-01. Review status: criteria provided, single submitter. Criteria: CeGaT Center For Human Genetics Tuebingen Variant Classification Criteria Version 2. Collection method: clinical testing. Allele origin: germline. Affected: yes. Observed: 1 variant allele.
Comment: CHD7: PM2, PP4